The following is an entry in ClinVar:

NM_006914.4(RORB):c.347_359del (p.Glu116fs)

Gene: RORB (RAR related orphan receptor B; plus strand). Cytogenetic location: 9q21.13.
Variant type: Deletion.
Coding change: c.347_359del on transcript NM_006914.4 (MANE Select); coding-DNA positions 347 to 359, 13 bases deleted (AAGCCCTTGCCAG).
Protein change: p.Glu116fs; shifts the reading frame from glutamic acid 116.
Molecular consequence: frameshift variant.
Genome position (GRCh38, 1-based): chr9:74,642,525-74,642,537, AAGCCCTTGCCAG deleted; deleting any 13 consecutive bases within chr9:74,642,522-74,642,537 gives the same sequence; the c. name uses the placement nearest the transcript's 3' end. VCF-style (leftmost placement, unchanged base first): chr9-74642521-GCAGAAGCCCTTGC-G. GRCh37 (hg19) VCF-style: chr9-77257437-GCAGAAGCCCTTGC-G.
Other names: c.380_392del, p.Glu127fs (NM_001365023.1); short protein forms E116fs, E127fs.
Identifiers: ClinVar variation 2838413 (VCV002838413.3), dbSNP rs2489583468, ClinGen allele CA2739269258.

ClinVar aggregate classification (germline): Pathogenic (1 of 4 stars; one submission).

Submission:

Labcorp Genetics (formerly Invitae), Labcorp
Classification: Pathogenic. Last evaluated: 2023-02-24. Review status: criteria provided, single submitter. Criteria: Invitae Variant Classification Sherloc (09022015). Collection method: clinical testing. Allele origin: germline.
Comment: For these reasons, this variant has been classified as Pathogenic. This variant has not been reported in the literature in individuals affected with RORB-related conditions. This variant is not present in population databases (gnomAD no frequency). This sequence change creates a premature translational stop signal (p.Glu116Glyfs*11) in the RORB gene. It is expected to result in an absent or disrupted protein product. Loss-of-function variants in RORB are known to be pathogenic (PMID: 27352968).

Literature cited by the submitters: PubMed 27352968.